The following is an entry in ClinVar:

NM_001429.4(EP300):c.3805G>A (p.Gly1269Arg)

Gene: EP300 (EP300 lysine acetyltransferase; plus strand). Cytogenetic location: 22q13.2.
Variant type: single nucleotide variant.
Coding change: c.3805G>A on transcript NM_001429.4 (MANE Select); coding-DNA position 3805, G replaced by A.
Protein change: p.Gly1269Arg; replaces glycine 1269 with arginine.
Molecular consequence: missense variant.
Genome position (GRCh38, 1-based): chr22:41,164,129, G>A. VCF-style: chr22-41164129-G-A. GRCh37 (hg19) VCF-style: chr22-41560133-G-A.
Other names: c.3727G>A, p.Gly1243Arg (NM_001362843.2); short protein forms G1243R, G1269R.
Identifiers: ClinVar variation 5020547 (VCV005020547.1).
Genomic context (GRCh38, chr22:41,164,129, plus strand): 5'-GAGTGCGGAAGAAAGATGCATCAGATCTGTGTCCTTCACCATGAGATCATCTGGCCTGCT[G>A]GGTAAGTCTTAACGTTGTTACTTTCTCTGGAATTTTTCTTTATCGTGAATATTAACAAGT-3'
Protein context (NP_001420.2, residues 1259-1279): VLHHEIIWPA[Gly1269Arg]FVCDGCLKKS

ClinVar aggregate classification (germline): Uncertain significance (1 of 4 stars; one submission).

Submission:

Dasa
Classification: Uncertain significance. Last evaluated: 2026-05-18. Review status: criteria provided, single submitter. Criteria: DASA Assertion Criteria. Collection method: clinical testing. Allele origin: germline.
Comment: NM_001429.4(EP300):c.3805G>A (p.Gly1269Arg) is a missense variant that results in the substitution of glycine with arginine. This variant is rare in population databases. Computational prediction algorithms are consistent with a deleterious effect. The currently available literature and clinical evidence are not sufficient to establish a definitive association between this variant and the reported condition. Therefore, this variant is classified as a variant of uncertain significance.